The following is an entry in ClinVar:

NM_006231.4(POLE):c.1974G>T (p.Lys658Asn)

Gene: POLE (DNA polymerase epsilon, catalytic subunit; minus strand). Cytogenetic location: 12q24.33.
Variant type: single nucleotide variant.
Coding change: c.1974G>T on transcript NM_006231.4 (MANE Select); coding-DNA position 1974, G replaced by T.
Protein change: p.Lys658Asn; replaces lysine 658 with asparagine.
Molecular consequence: missense variant.
Genome position (GRCh38, 1-based): chr12:132,668,687, C>A on the plus strand (G>T on the coding strand, the complement: POLE is on the minus strand). VCF-style: chr12-132668687-C-A. GRCh37 (hg19) VCF-style: chr12-133245273-C-A.
Other names: c.1974G>T (NM_006231.2); short protein forms K658N.
Identifiers: ClinVar variation 840328 (VCV000840328.9), dbSNP rs762795868, ClinGen allele CA6893746.
Genomic context (GRCh38, chr12:132,668,687, plus strand): 5'-ACACTCACTGAACTCGCCCCTCCACTGCCAGGCCATCTTCCGCTGGCAGTTTGCTCCAGG[C>A]TTATTGAAGTCACAGGCAGCACAGGTGGCTTCGTCCACCATGGCAGAGGGCTGGGAGGGG-3'
Protein context (NP_006222.2, residues 648-668): EATCAACDFN[Lys658Asn]PGANCQRKMA

ClinVar aggregate classification (germline): Conflicting classifications of pathogenicity. Review status: criteria provided, conflicting classifications (1 of 4 stars). 3 submissions from 3 submitters: Uncertain significance (2); Likely benign (1). Last evaluated 2026-02-02.

Conditions:
Hereditary cancer-predisposing syndrome. Also called: Neoplastic Syndromes, Hereditary; Tumor predisposition; Hereditary neoplastic syndrome; Hereditary Cancer Syndrome. Identifiers: Orphanet 140162, MedGen C0027672, MeSH D009386, MONDO:0015356.

Allele frequency attached by ClinVar (database versions not stated): ExAC 0.00001; TOPMed 0.00001; gnomAD exomes 0.00002.
gnomAD v4.1: 4 of 1,614,042 alleles (0.00025%); highest among the groups gnomAD compares: Admixed American, 0.0033%; no homozygotes.

Submissions (3):

Labcorp Genetics (formerly Invitae), Labcorp
Classification: Uncertain significance. Last evaluated: 2026-02-02. Review status: criteria provided, single submitter. Criteria: Invitae Variant Classification Sherloc (09022015). Collection method: clinical testing. Allele origin: germline.
Comment: This sequence change replaces lysine, which is basic and polar, with asparagine, which is neutral and polar, at codon 658 of the POLE protein (p.Lys658Asn). This variant is present in population databases (rs762795868, gnomAD 0.006%). This variant has not been reported in the literature in individuals affected with POLE-related conditions. ClinVar contains an entry for this variant (Variation ID: 840328). Invitae Evidence Modeling of protein sequence and biophysical properties (such as structural, functional, and spatial information, amino acid conservation, physicochemical variation, residue mobility, and thermodynamic stability) indicates that this missense variant is not expected to disrupt POLE protein function with a negative predictive value of 80%. In summary, the available evidence is currently insufficient to determine the role of this variant in disease. Therefore, it has been classified as a Variant of Uncertain Significance.

Ambry Genetics
Classification: Likely benign for Hereditary cancer-predisposing syndrome. Last evaluated: 2024-12-23. Review status: criteria provided, single submitter. Criteria: Ambry Variant Classification Scheme 2023. Collection method: clinical testing. Allele origin: germline.

GeneDx
Classification: Uncertain significance. Last evaluated: 2023-11-16. Review status: criteria provided, single submitter. Criteria: GeneDx Variant Classification Process June 2021. Collection method: clinical testing. Allele origin: germline. Affected: yes.
Comment: Not observed at significant frequency in large population cohorts (gnomAD); In silico analysis supports that this missense variant has a deleterious effect on protein structure/function; Has not been previously published as pathogenic or benign to our knowledge; This variant is associated with the following publications: (PMID: 20951805)